The following is an entry in ClinVar:

ClinVar aggregate classification (germline): Pathogenic. Review status: criteria provided, multiple submitters, no conflicts (2 of 4 stars). 2 submissions from 2 submitters: Pathogenic (2). Last evaluated 2024-12-17.

Conditions:
Hereditary cancer-predisposing syndrome. Also called: Neoplastic Syndromes, Hereditary; Tumor predisposition; Hereditary Cancer Syndrome; Hereditary neoplastic syndrome. Identifiers: Orphanet 140162, MedGen C0027672, MeSH D009386, MONDO:0015356.
Familial cancer of breast. Also called: BREAST CANCER, FAMILIAL; Hereditary breast cancer; hereditary breast carcinoma. Identifiers: Orphanet 227535, MedGen C0346153, MONDO:0016419, OMIM 114480. Disease mechanism: loss of function.

Submissions (2):

Myriad Genetics, Inc.
Classification: Pathogenic for Familial cancer of breast. Last evaluated: 2024-12-17. Review status: criteria provided, single submitter. Criteria: Myriad Autosomal Dominant, Autosomal Recessive and X-Linked Classification Criteria (2023). Collection method: clinical testing. Allele origin: unknown.
Comment: This variant is considered pathogenic. This variant creates a frameshift predicted to result in premature protein truncation.

Ambry Genetics
Classification: Pathogenic for Hereditary cancer-predisposing syndrome. Last evaluated: 2024-11-14. Review status: criteria provided, single submitter. Criteria: Ambry Variant Classification Scheme 2023. Collection method: clinical testing. Allele origin: germline.
Comment: The c.60delA pathogenic mutation, located in coding exon 2 of the PALB2 gene, results from a deletion of one nucleotide at nucleotide position 60, causing a translational frameshift with a predicted alternate stop codon (p.K20Nfs*2). This variant is considered to be rare based on population cohorts in the Genome Aggregation Database (gnomAD). This alteration is expected to result in loss of function by premature protein truncation or nonsense-mediated mRNA decay. As such, this alteration is interpreted as a disease-causing mutation.

NM_024675.4(PALB2):c.60del (p.Lys20fs)

Gene: PALB2 (partner and localizer of BRCA2; minus strand). Cytogenetic location: 16p12.2.
Variant type: Deletion.
Coding change: c.60del on transcript NM_024675.4 (MANE Select); coding-DNA position 60, one base deleted (A; older notation c.60delA).
Protein change: p.Lys20fs; shifts the reading frame from lysine 20.
Molecular consequence: frameshift variant. On other transcripts: 5 prime UTR variant (8), intron variant (4).
Genome position (GRCh38, 1-based): chr16:23,638,118, T deleted on the plus strand (A on the coding strand, the reverse complement: PALB2 is on the minus strand); the first of 3 consecutive T bases (chr16:23,638,118-23,638,120); deleting any one gives the same sequence. VCF-style (leftmost placement, unchanged base first): chr16-23638117-AT-A. GRCh37 (hg19) VCF-style: chr16-23649438-AT-A.
Other names: c.-826del (NM_001407305.1, NM_001407306.1, NM_001407307.1 and 5 more transcripts); c.48+2992del (NM_001407314.1); c.-105+2992del (NM_001407313.1, NM_001407312.1); c.49-166del (NM_001407296.1); c.60delA (NM_024675.3); c.60del, p.Lys20fs (NM_001407297.1, NM_001407298.1, NM_001407299.1 and 3 more transcripts); short protein forms K20fs.
Identifiers: ClinVar variation 3413494 (VCV003413494.2).